The following is an entry in ClinVar:

ClinVar aggregate classification (germline): Pathogenic (1 of 4 stars; one submission).

Conditions:
Neuromuscular disease caused by qualitative or quantitative defects of dysferlin. Also called: Dysferlinopathy; Qualitative or quantitative defects of dysferlin. Identifiers: Orphanet 207073, MedGen C2931687, MONDO:0016145.

Submission:

Labcorp Genetics (formerly Invitae), Labcorp
Classification: Pathogenic for Neuromuscular disease caused by qualitative or quantitative defects of dysferlin. Last evaluated: 2022-04-08. Review status: criteria provided, single submitter. Criteria: Invitae Variant Classification Sherloc (09022015). Collection method: clinical testing. Allele origin: germline.
Comment: This sequence change creates a premature translational stop signal (p.Asn439Profs*34) in the DYSF gene. It is expected to result in an absent or disrupted protein product. Loss-of-function variants in DYSF are known to be pathogenic (PMID: 17698709, 20301480). This variant is not present in population databases (gnomAD no frequency). For these reasons, this variant has been classified as Pathogenic. This variant has not been reported in the literature in individuals affected with DYSF-related conditions.

Literature cited by the submitters: PubMed 17698709; PubMed 20301480.

NM_001130987.2(DYSF):c.1410_1411del (p.Asn471fs)

Gene: DYSF (dysferlin; plus strand). Cytogenetic location: 2p13.2.
Variant type: Deletion.
Coding change: c.1410_1411del on transcript NM_001130987.2 (MANE Select); coding-DNA positions 1410 to 1411, 2 bases deleted (CA; older notation c.1410_1411delCA).
Protein change: p.Asn471fs; shifts the reading frame from asparagine 471.
Molecular consequence: frameshift variant.
Genome position (GRCh38, 1-based): chr2:71,535,050-71,535,051, CA deleted. VCF-style (leftmost placement, unchanged base first): chr2-71535049-CCA-C. GRCh37 (hg19) VCF-style: chr2-71762179-CCA-C.
Other names: c.1317_1318del, p.Asn440fs (NM_001130455.2, NM_001130983.2, NM_001130984.2 and 1 more transcripts); c.1314_1315del, p.Asn439fs (NM_001130976.2, NM_001130977.2, NM_001130978.2 and 1 more transcripts); c.1407_1408del, p.Asn470fs (NM_001130979.2, NM_001130980.2, NM_001130981.2); c.1410_1411del, p.Asn471fs (NM_001130982.2, NM_001130985.2); short protein forms N440fs, N471fs, N470fs, N439fs.
Identifiers: ClinVar variation 2123249 (VCV002123249.4), dbSNP rs2545554653, ClinGen allele CA2580067912.